The following is an entry in ClinVar:

ClinVar aggregate classification (germline): Likely benign. Review status: criteria provided, multiple submitters, no conflicts (2 of 4 stars). 5 submissions from 5 submitters: Likely benign (5). Last evaluated 2026-07-08.

Conditions:
EPS8-related disorder. Also called: EPS8-related condition.

Allele frequency attached by ClinVar (database versions not stated): gnomAD 0.00009 and 0.00011; ExAC 0.00010; gnomAD exomes 0.00010; TOPMed 0.00012.
gnomAD v4.1: 170 of 1,613,190 alleles (0.011%); highest among the groups gnomAD compares: Middle Eastern, 0.18%; 1 homozygote.

Submissions (5):

PreventionGenetics, part of Exact Sciences
Classification: Likely benign for EPS8-related condition. Last evaluated: 2026-07-08. Review status: criteria provided, single submitter. Criteria: ACMG Guidelines, 2015. Collection method: clinical testing. Allele origin: germline.
Comment: This variant is classified as likely benign based on ACMG/AMP sequence variant interpretation guidelines (Richards et al. 2015 PMID: 25741868, with internal and published modifications).

Labcorp Genetics (formerly Invitae), Labcorp
Classification: Likely benign. Last evaluated: 2025-11-23. Review status: criteria provided, single submitter. Criteria: Invitae Variant Classification Sherloc (09022015). Collection method: clinical testing. Allele origin: germline.

Blueprint Genetics
Classification: Likely benign. Last evaluated: 2024-11-04. Review status: criteria provided, single submitter. Criteria: ACMG Guidelines, 2015. Collection method: clinical testing. Allele origin: germline.

GeneDx
Classification: Likely benign. Last evaluated: 2020-07-14. Review status: criteria provided, single submitter. Criteria: GeneDx Variant Classification Process June 2021. Collection method: clinical testing. Allele origin: germline. Affected: yes.

Laboratory for Molecular Medicine, Mass General Brigham Personalized Medicine
Classification: Likely benign. Last evaluated: 2017-12-05. Review status: criteria provided, single submitter. Criteria: LMM Criteria. Collection method: clinical testing. Allele origin: germline. Observed: 1 variant allele.
Comment: p.Ala771Ala in exon 20 of EPS8: This variant is not expected to have clinical si gnificance because it does not alter an amino acid residue and is not located wi thin the splice consensus sequence. It has been identified in 0.015% (19/126276) of European chromosomes by the Genome Aggregation Database (gnomAD; dbSNP rs761418186).

NM_004447.6(EPS8):c.2313G>A (p.Ala771=)

Gene: EPS8 (EGFR pathway substrate 8, signaling adaptor; minus strand). Cytogenetic location: 12p12.3.
Variant type: single nucleotide variant.
Coding change: c.2313G>A on transcript NM_004447.6 (MANE Select); coding-DNA position 2313, G replaced by A.
Protein change: p.Ala771=; no amino-acid change (alanine 771 retained).
Molecular consequence: synonymous variant.
Genome position (GRCh38, 1-based): chr12:15,623,200, C>T on the plus strand (G>A on the coding strand, the complement: EPS8 is on the minus strand). VCF-style: chr12-15623200-C-T. GRCh37 (hg19) VCF-style: chr12-15776134-C-T.
Identifiers: ClinVar variation 517554 (VCV000517554.12), dbSNP rs761418186, ClinGen allele CA6467296.